The following is an entry in ClinVar:

ClinVar aggregate classification (germline): Conflicting classifications of pathogenicity. Review status: criteria provided, conflicting classifications (1 of 4 stars). 4 submissions from 4 submitters: Likely pathogenic (1); Uncertain significance (3). Last evaluated 2022-11-08.

Conditions:
Intellectual developmental disorder, X-linked 1. Also called: Intellectual disability, X-linked 1; Atkin Flaitz Patil Smith syndrome; MENTAL RETARDATION, X-LINKED 18; MENTAL RETARDATION, X-LINKED 78. Identifiers: Orphanet 777, MedGen C2931498, MONDO:0010656, OMIM 309530.
Inborn genetic diseases. Identifiers: MedGen C0950123, MeSH D030342.

Submissions (4):

Labcorp Genetics (formerly Invitae), Labcorp
Classification: Uncertain significance for Intellectual developmental disorder, X-linked 1. Last evaluated: 2022-11-08. Review status: criteria provided, single submitter. Criteria: Invitae Variant Classification Sherloc (09022015). Collection method: clinical testing. Allele origin: germline.
Comment: This variant is not present in population databases (gnomAD no frequency). This sequence change replaces arginine, which is basic and polar, with proline, which is neutral and non-polar, at codon 1069 of the IQSEC2 protein (p.Arg1069Pro). This missense change has been observed in individual(s) with early-onset epileptic encephalopathy (PMID: 29720203, 30206421). In summary, the available evidence is currently insufficient to determine the role of this variant in disease. Therefore, it has been classified as a Variant of Uncertain Significance. Advanced modeling of protein sequence and biophysical properties (such as structural, functional, and spatial information, amino acid conservation, physicochemical variation, residue mobility, and thermodynamic stability) has been performed at Invitae for this missense variant, however the output from this modeling did not meet the statistical confidence thresholds required to predict the impact of this variant on IQSEC2 protein function. ClinVar contains an entry for this variant (Variation ID: 449760).

Ambry Genetics
Classification: Uncertain significance for Inborn genetic diseases. Last evaluated: 2020-08-11. Review status: criteria provided, single submitter. Criteria: Ambry Variant Classification Scheme 2023. Collection method: clinical testing. Allele origin: germline.
Comment: The alteration results in an amino acid change:_x000D_ _x000D_ The c.3206G>C (p.R1069P) alteration is located in coding exon 12 of the IQSEC2 gene. This alteration results from a G to C substitution at nucleotide position 3206, causing the arginine (R) at amino acid position 1069 to be replaced by a proline (P). The alteration is not observed in population databases:_x000D_ _x000D_ Based on data from the Genome Aggregation Database (gnomAD), the IQSEC2 c.3206G>C alteration was not observed, with coverage at this position. Another patient of unspecified gender was reported to have inherited this alteration from a parent and had severe childhood epilepsy (Stank, 2018). The altered amino acid is conserved throughout evolution:_x000D_ _x000D_ The p.R1069 amino acid is conserved in available vertebrate species. The amino acid is located in a functionally important protein domain:_x000D_ _x000D_ The p.R1069P amino acid is located in the hotspot Pleckstrin homology (PH) domain (Mignot, 2019). Ambry's internal data identified a likely pathogenic variant in the PH domain. The alteration is predicted deleterious by in silico modeling:_x000D_ _x000D_ The p.R1069P alteration is predicted to be deleterious by in silico analysis. Based on insufficient or conflicting evidence, the clinical significance of this alteration remains unclear.

GeneDx
Classification: Likely pathogenic. Last evaluated: 2017-06-27. Review status: criteria provided, single submitter. Criteria: GeneDx Variant Classification (06012015). Collection method: clinical testing. Allele origin: germline. Affected: yes.
Comment: The R1069P variant in the IQSEC2 gene has not been reported previously as a pathogenic variant, nor as a benign variant, to our knowledge. The R1069P variant is not observed in large population cohorts (Lek et al., 2016; 1000 Genomes Consortium et al., 2015; Exome Variant Server). The R1069P variant is a non-conservative amino acid substitution, which is likely to impact secondary protein structure as these residues differ in polarity, charge, size and/or other properties. This substitution occurs at a position that is conserved across species, and in silico analysis predicts this variant is probably damaging to the protein structure/function. We interpret R1069P as a likely pathogenic variant.

Juno Genomics, Hangzhou Juno Genomics, Inc
Classification: Uncertain significance for Intellectual developmental disorder, X-linked 1. Review status: criteria provided, single submitter. Criteria: ACMG Guidelines, 2015. Collection method: clinical testing. Allele origin: germline. Affected: yes.
Comment: Absent from controls (or at extremely low frequency if recessive) in Genome Aggregation Database, Exome Sequencing Project, 1000 Genomes Project, or Exome Aggregation Consortium.;The prevalence of the variant in affected individuals is significantly increased compared to the prevalence in controls.;De novo (both maternity and paternity confirmed) in a patient with the disease and no family history.;Patient's phenotype or family history is highly specific for a disease with a single genetic etiology.

Literature cited by the submitters: PubMed 29720203 (cited by Labcorp Genetics (formerly Invitae), Labcorp and Ambry Genetics); PubMed 30206421 (cited by Labcorp Genetics (formerly Invitae), Labcorp and Ambry Genetics).

NM_001111125.3(IQSEC2):c.3206G>C (p.Arg1069Pro)

Gene: IQSEC2 (IQ motif and Sec7 domain ArfGEF 2; minus strand). Cytogenetic location: Xp11.22.
Variant type: single nucleotide variant.
Coding change: c.3206G>C on transcript NM_001111125.3 (MANE Select); coding-DNA position 3206, G replaced by C.
Protein change: p.Arg1069Pro; replaces arginine 1069 with proline.
Molecular consequence: missense variant.
Genome position (GRCh38, 1-based): chrX:53,238,216, C>G on the plus strand (G>C on the coding strand, the complement: IQSEC2 is on the minus strand). VCF-style: chrX-53238216-C-G. GRCh37 (hg19) VCF-style: chrX-53267398-C-G.
Other names: c.2591G>C, p.Arg864Pro (NM_015075.2); short protein forms R1069P, R864P.
Identifiers: ClinVar variation 449760 (VCV000449760.14), dbSNP rs782632137, ClinGen allele CA413146604.